The following is an entry in ClinVar:

ClinVar aggregate classification (germline): Uncertain significance (1 of 4 stars; one submission).

Conditions:
Nemaline myopathy 2 (NEM2). Also called: Nemaline myopathy 2, autosomal recessive. Identifiers: MedGen C1850569, MONDO:0009725, OMIM 256030.

gnomAD v4.1: 1 of 1,539,592 alleles (0.000065%); no homozygotes.

Submission:

Labcorp Genetics (formerly Invitae), Labcorp
Classification: Uncertain significance for Nemaline myopathy 2. Last evaluated: 2022-02-22. Review status: criteria provided, single submitter. Criteria: Invitae Variant Classification Sherloc (09022015). Collection method: clinical testing. Allele origin: germline.
Comment: This sequence change replaces valine, which is neutral and non-polar, with glutamic acid, which is acidic and polar, at codon 8229 of the NEB protein (p.Val8229Glu). This variant is not present in population databases (gnomAD no frequency). This variant has not been reported in the literature in individuals affected with NEB-related conditions. Algorithms developed to predict the effect of missense changes on protein structure and function are either unavailable or do not agree on the potential impact of this missense change (SIFT: "Deleterious"; PolyPhen-2: "Not Available"; Align-GVGD: "Class C0"). Algorithms developed to predict the effect of sequence changes on RNA splicing suggest that this variant may disrupt the consensus splice site. In summary, the available evidence is currently insufficient to determine the role of this variant in disease. Therefore, it has been classified as a Variant of Uncertain Significance.

NM_001164508.2(NEB):c.24581T>A (p.Val8194Glu)

Genes: NEB (nebulin; minus strand), RIF1 (replication timing regulatory factor 1; plus strand). Cytogenetic location: 2q23.3.
Variant type: single nucleotide variant.
Coding change: c.24581T>A on transcript NM_001164508.2 (MANE Select); coding-DNA position 24581, T replaced by A.
Protein change: p.Val8194Glu; replaces valine 8194 with glutamic acid.
Molecular consequence: missense variant.
Genome position (GRCh38, 1-based): chr2:151,493,866, A>T on the plus strand (T>A on the coding strand, the complement: NEB is on the minus strand). VCF-style: chr2-151493866-A-T. GRCh37 (hg19) VCF-style: chr2-152350380-A-T.
Other names: c.24581T>A, p.Val8194Glu (NM_001164507.2); c.24686T>A, p.Val8229Glu (NM_001271208.2); c.19013T>A, p.Val6338Glu (NM_004543.5); short protein forms V6338E, V8194E, V8229E.
Identifiers: ClinVar variation 2173215 (VCV002173215.1), dbSNP rs2058367552, ClinGen allele CA348775755.
Genomic context (GRCh38, chr2:151,493,866, plus strand): 5'-CTTTCCATCTCAGGAGTAAAGGGTGTGGGGGTTGCTTTCCCCAGGTTCTCTTTGTATAAC[A>T]CCTGTGAGATACAAAGTCATGCCCGAAAGTCACTACGAGGTAATAATCACTATTAATTAT-3'
Protein context (NP_001157980.2, residues 8184-8204): VKRNQENISS[Val8194Glu]LYKENLGKAT